The following is an entry in ClinVar:

ClinVar aggregate classification (germline): Uncertain significance. Review status: criteria provided, multiple submitters, no conflicts (2 of 4 stars). 2 submissions from 2 submitters: Uncertain significance (2). Last evaluated 2025-09-08.

Conditions:
Juvenile polyposis syndrome (JPS). Identifiers: Orphanet 2929, MedGen C0345893, MONDO:0017380, OMIM 174900.
Familial thoracic aortic aneurysm and aortic dissection (TAAD). Also called: Thoracic aortic aneurysms and dissections. Identifiers: Orphanet 91387, MedGen C4707243, MONDO:0019625.
Hereditary cancer-predisposing syndrome. Also called: Tumor predisposition; Hereditary Cancer Syndrome; Neoplastic Syndromes, Hereditary; Hereditary neoplastic syndrome. Identifiers: Orphanet 140162, MedGen C0027672, MeSH D009386, MONDO:0015356.

Allele frequency attached by ClinVar (database versions not stated): gnomAD exomes below 0.00001; ExAC 0.00001.
gnomAD v4.1: 1 of 1,611,600 alleles (0.000062%); highest among the groups gnomAD compares: Non-Finnish European, 0.000085%; no homozygotes.

Submissions (2):

Ambry Genetics
Classification: Uncertain significance for Hereditary cancer-predisposing syndrome; Familial thoracic aortic aneurysm and aortic dissection. Last evaluated: 2025-09-08. Review status: criteria provided, single submitter. Criteria: Ambry Variant Classification Scheme 2023. Collection method: clinical testing. Allele origin: germline.
Comment: The p.T453A variant (also known as c.1357A>G), located in coding exon 10 of the SMAD4 gene, results from an A to G substitution at nucleotide position 1357. The threonine at codon 453 is replaced by alanine, an amino acid with similar properties. This amino acid position is highly conserved in available vertebrate species. In addition, this alteration is predicted to be deleterious by in silico analysis. Based on the available evidence, the clinical significance of this variant remains unclear.

Labcorp Genetics (formerly Invitae), Labcorp
Classification: Uncertain significance for Juvenile polyposis syndrome. Last evaluated: 2024-11-10. Review status: criteria provided, single submitter. Criteria: Invitae Variant Classification Sherloc (09022015). Collection method: clinical testing. Allele origin: germline.
Comment: This sequence change replaces threonine, which is neutral and polar, with alanine, which is neutral and non-polar, at codon 453 of the SMAD4 protein (p.Thr453Ala). This variant is present in population databases (rs768086109, gnomAD 0.0009%). This variant has not been reported in the literature in individuals affected with SMAD4-related conditions. ClinVar contains an entry for this variant (Variation ID: 2121323). Invitae Evidence Modeling of protein sequence and biophysical properties (such as structural, functional, and spatial information, amino acid conservation, physicochemical variation, residue mobility, and thermodynamic stability) has been performed for this missense variant. However, the output from this modeling did not meet the statistical confidence thresholds required to predict the impact of this variant on SMAD4 protein function. In summary, the available evidence is currently insufficient to determine the role of this variant in disease. Therefore, it has been classified as a Variant of Uncertain Significance.

NM_005359.6(SMAD4):c.1357A>G (p.Thr453Ala)

Gene: SMAD4 (SMAD family member 4; plus strand). Cytogenetic location: 18q21.2.
Variant type: single nucleotide variant.
Coding change: c.1357A>G on transcript NM_005359.6 (MANE Select); coding-DNA position 1357, A replaced by G.
Protein change: p.Thr453Ala; replaces threonine 453 with alanine.
Molecular consequence: missense variant.
Genome position (GRCh38, 1-based): chr18:51,076,686, A>G. VCF-style: chr18-51076686-A-G. GRCh37 (hg19) VCF-style: chr18-48603056-A-G.
Other names: c.1357A>G, p.Thr453Ala (NM_001407042.1, NM_001407041.1); short protein forms T453A.
Identifiers: ClinVar variation 2121323 (VCV002121323.5), dbSNP rs768086109, ClinGen allele CA8966055.